The following is an entry in ClinVar:

ClinVar aggregate classification (germline): Uncertain significance (1 of 4 stars; one submission).

Conditions:
Neurodevelopmental disorder with or without hyperkinetic movements and seizures, autosomal dominant. Also called: Intellectual disability, autosomal dominant 8. Identifiers: MedGen C3280282, MONDO:0013655, OMIM 614254.

Submission:

Labcorp Genetics (formerly Invitae), Labcorp
Classification: Uncertain significance for Neurodevelopmental disorder with or without hyperkinetic movements and seizures, autosomal dominant. Last evaluated: 2022-11-24. Review status: criteria provided, single submitter. Criteria: Invitae Variant Classification Sherloc (09022015). Collection method: clinical testing. Allele origin: germline.
Comment: This sequence change replaces threonine, which is neutral and polar, with methionine, which is neutral and non-polar, at codon 66 of the GRIN1 protein (p.Thr66Met). This variant is not present in population databases (gnomAD no frequency). This variant has not been reported in the literature in individuals affected with GRIN1-related conditions. Advanced modeling of protein sequence and biophysical properties (such as structural, functional, and spatial information, amino acid conservation, physicochemical variation, residue mobility, and thermodynamic stability) has been performed at Invitae for this missense variant, however the output from this modeling did not meet the statistical confidence thresholds required to predict the impact of this variant on GRIN1 protein function. In summary, the available evidence is currently insufficient to determine the role of this variant in disease. Therefore, it has been classified as a Variant of Uncertain Significance.

NM_007327.4(GRIN1):c.197C>T (p.Thr66Met)

Gene: GRIN1 (glutamate ionotropic receptor NMDA type subunit 1; plus strand). Cytogenetic location: 9q34.3.
Variant type: single nucleotide variant.
Coding change: c.197C>T on transcript NM_007327.4 (MANE Select); coding-DNA position 197, C replaced by T.
Protein change: p.Thr66Met; replaces threonine 66 with methionine.
Molecular consequence: missense variant.
Genome position (GRCh38, 1-based): chr9:137,139,683, C>T. VCF-style: chr9-137139683-C-T. GRCh37 (hg19) VCF-style: chr9-140034135-C-T.
Other names: c.197C>T, p.Thr66Met (NM_000832.7, NM_001185090.2, NM_001185091.2 and 1 more transcripts); short protein forms T66M.
Identifiers: ClinVar variation 2816214 (VCV002816214.3), dbSNP rs1564338573, ClinGen allele CA375713354.